The following is an entry in ClinVar:

NM_000202.8(IDS):c.135T>A (p.Asp45Glu)

Gene: IDS (iduronate 2-sulfatase; minus strand). Cytogenetic location: Xq28.
Variant type: single nucleotide variant.
Coding change: c.135T>A on transcript NM_000202.8 (MANE Select); coding-DNA position 135, T replaced by A.
Protein change: p.Asp45Glu; replaces aspartic acid 45 with glutamic acid.
Molecular consequence: missense variant. On other transcripts: 5 prime UTR variant (1), non-coding transcript variant (1).
Genome position (GRCh38, 1-based): chrX:149,504,262, A>T on the plus strand (T>A on the coding strand, the complement: IDS is on the minus strand). VCF-style: chrX-149504262-A-T. GRCh37 (hg19) VCF-style: chrX-148585792-A-T.
Other names: c.-92T>A (NM_001166550.4); c.135T>A, p.Asp45Glu (NM_006123.5); short protein forms D45E.
Identifiers: ClinVar variation 3255871 (VCV003255871.2).

ClinVar aggregate classification (germline): Pathogenic (1 of 4 stars; one submission).

Conditions:
Mucopolysaccharidosis, MPS-II (MPS2). Also called: Hunter Syndrome; IDURONATE 2-SULFATASE DEFICIENCY; Mucopolysaccharidosis Type II; Mucopolysaccharidosis type 2; Attenuated MPS (subtype; formerly known as mild MPS II); Severe MPS II. Identifiers: Orphanet 580, Orphanet 79388, MedGen C0026705, MONDO:0010674, OMIM 309900.

Submission:

Laboratory of Diagnosis and Therapy of Lysosomal Disorders, University of Padova
Classification: Pathogenic for Mucopolysaccharidosis, MPS-II. Last evaluated: 2024-06-07. Review status: criteria provided, single submitter. Criteria: ACMG Guidelines, 2015. Collection method: literature only. Allele origin: germline. Affected: yes. Observed: 1 variant allele.
Comment: De novo (PS2_Strong), Located in a mutational hot spot and/or critical functional domain (PM1_Moderate), Absent from controls (or at low frequency) in gnomAD database (PM2_Moderate), Missense variant in a gene with a low rate of benign missense variation (PP2_Supporting), Multiple lines of computational evidence support a deleterious effect (PP3_Supporting), Patient’s phenotype or family history highly specific for the disease (PP4_Strong)

Classification method: ACMG Guidelines [PMID:25741868] with modifications

Literature cited by the submitters: PubMed 23800320.